The following is an entry in ClinVar:

ClinVar aggregate classification (germline): Benign/Likely benign. Review status: criteria provided, multiple submitters, no conflicts (2 of 4 stars). 5 submissions from 5 submitters: Benign (1); Likely benign (3). 1 of the submissions does not count toward it. Last evaluated 2025-11-12.

Conditions:
Cerebral cavernous malformation (CCM). Also called: CAVERNOUS ANGIOMA, FAMILIAL; CAVERNOUS ANGIOMATOUS MALFORMATIONS; CEREBRAL CAPILLARY MALFORMATIONS; Cerebral cavernous hemangioma (type); Cerebral cavernous malformations; Cavernous Hemangioma of Brain. Identifiers: Orphanet 221061, MedGen C2919945, MONDO:0000820, OMIM 116860, HP:0033522.
KRIT1-related disorder. Also called: KRIT1-related disorders; KRIT1-related condition.

Allele frequency attached by ClinVar (database versions not stated): gnomAD exomes 0.00023 and 0.00053; ExAC 0.00063; 1000 Genomes Project 0.00180; 1000 Genomes Project 30x 0.00203; gnomAD 0.00214 and 0.00219; TOPMed 0.00225; ESP Exome Variant Server 0.00288.

Submissions (5):

Labcorp Genetics (formerly Invitae), Labcorp
Classification: Benign for Cerebral cavernous malformation. Last evaluated: 2025-11-12. Review status: criteria provided, single submitter. Criteria: Invitae Variant Classification Sherloc (09022015). Collection method: clinical testing. Allele origin: germline.

Mayo Clinic Laboratories, Mayo Clinic
Classification: Likely benign. Last evaluated: 2025-05-20. Review status: criteria provided, single submitter. Criteria: ACMG Guidelines, 2015. Collection method: clinical testing. Allele origin: germline. Observed: 2 variant alleles.
Comment: BS1, BP4, BP7

Blueprint Genetics
Classification: Likely benign. Last evaluated: 2024-11-01. Review status: criteria provided, single submitter. Criteria: ACMG Guidelines, 2015. Collection method: clinical testing. Allele origin: germline.

CeGaT Center for Human Genetics Tuebingen
Classification: Likely benign. Last evaluated: 2023-12-01. Review status: criteria provided, single submitter. Criteria: CeGaT Center For Human Genetics Tuebingen Variant Classification Criteria Version 2. Collection method: clinical testing. Allele origin: germline. Affected: yes. Observed: 1 variant allele.
Comment: ENSG00000285953: BS2; ENSG00000289027: BS2

PreventionGenetics, part of Exact Sciences
Classification: Likely benign for KRIT1-related condition. Last evaluated: 2020-07-27. Review status: no assertion criteria provided. Collection method: clinical testing. Allele origin: germline. Not counted in ClinVar's aggregate classification.
Comment: This variant is classified as likely benign based on ACMG/AMP sequence variant interpretation guidelines (Richards et al. 2015 PMID: 25741868, with internal and published modifications).

NM_194454.3(KRIT1):c.846-5dup

Gene: KRIT1 (KRIT1 ankyrin repeat containing; minus strand). Cytogenetic location: 7q21.2.
Variant type: Duplication.
Coding change: c.846-5dup on transcript NM_194454.3 (MANE Select); 5 bases into the intron before coding-DNA position 846, one base duplicated (A; older notation c.846-5dupA).
Molecular consequence: intron variant.
Genome position (GRCh38, 1-based): chr7:92,234,597, T duplicated on the plus strand (A on the coding strand, the reverse complement: KRIT1 is on the minus strand). VCF-style (leftmost placement, unchanged base first): chr7-92234596-A-AT. GRCh37 (hg19) VCF-style: chr7-91863910-A-AT.
Other names: p.?; c.846-5dupA (NM_194456.1); c.846-5dup (NM_001350672.1, NM_001350676.1, NM_001350673.1 and 26 more transcripts); c.845+211dup (NM_001350669.1, NM_001013406.2, NM_001350670.1); c.132-5dup (NM_001350671.1).
Identifiers: ClinVar variation 360888 (VCV000360888.40), dbSNP rs373763254, ClinGen allele CA4339277.